The following is an entry in ClinVar:

ClinVar aggregate classification (germline): Conflicting classifications of pathogenicity. Review status: criteria provided, conflicting classifications (1 of 4 stars). 3 submissions from 3 submitters: Likely pathogenic (1); Uncertain significance (2). Last evaluated 2021-12-28.

Conditions:
PIGT-related disorder.
Multiple congenital anomalies-hypotonia-seizures syndrome 3 (MCAHS3). Also called: GLYCOSYLPHOSPHATIDYLINOSITOL BIOSYNTHESIS DEFECT 7. Identifiers: Orphanet 369837, MedGen C3809356, MONDO:0014165, OMIM 615398.

Allele frequency attached by ClinVar (database versions not stated): gnomAD 0.00001 and 0.00002; gnomAD exomes 0.00001 and 0.00002; ExAC 0.00002; TOPMed 0.00003; ESP Exome Variant Server 0.00008.
gnomAD v4.1: 22 of 1,613,594 alleles (0.0014%); highest among the groups gnomAD compares: Admixed American, 0.0033%; no homozygotes.

Submissions (3):

Blueprint Genetics
Classification: Likely pathogenic for PIGT-related disorders. Last evaluated: 2021-12-28. Review status: criteria provided, single submitter. Criteria: ACMG Guidelines, 2015. Collection method: clinical testing. Allele origin: germline. Affected: yes. Observed: 2 variant alleles.

Labcorp Genetics (formerly Invitae), Labcorp
Classification: Uncertain significance for Multiple congenital anomalies-hypotonia-seizures syndrome 3. Last evaluated: 2021-08-31. Review status: criteria provided, single submitter. Criteria: Invitae Variant Classification Sherloc (09022015). Collection method: clinical testing. Allele origin: germline.
Comment: This sequence change replaces arginine with tryptophan at codon 507 of the PIGT protein (p.Arg507Trp). The arginine residue is moderately conserved and there is a moderate physicochemical difference between arginine and tryptophan. This variant is present in population databases (rs146484791, ExAC 0.009%). This variant has not been reported in the literature in individuals affected with PIGT-related conditions. Algorithms developed to predict the effect of missense changes on protein structure and function are either unavailable or do not agree on the potential impact of this missense change (SIFT: "Deleterious"; PolyPhen-2: "Probably Damaging"; Align-GVGD: "Class C0"). In summary, the available evidence is currently insufficient to determine the role of this variant in disease. Therefore, it has been classified as a Variant of Uncertain Significance.

CeGaT Center for Human Genetics Tuebingen
Classification: Uncertain significance. Last evaluated: 2021-07-01. Review status: criteria provided, single submitter. Criteria: CeGaT Center For Human Genetics Tuebingen Variant Classification Criteria Version 2. Collection method: clinical testing. Allele origin: germline. Affected: yes. Observed: 2 variant alleles.

NM_015937.6(PIGT):c.1519C>T (p.Arg507Trp)

Gene: PIGT (phosphatidylinositol glycan anchor biosynthesis class T; plus strand). Cytogenetic location: 20q13.12.
Variant type: single nucleotide variant.
Coding change: c.1519C>T on transcript NM_015937.6 (MANE Select); coding-DNA position 1519, C replaced by T.
Protein change: p.Arg507Trp; replaces arginine 507 with tryptophan.
Molecular consequence: missense variant. On other transcripts: non-coding transcript variant (5).
Genome position (GRCh38, 1-based): chr20:45,425,608, C>T. VCF-style: chr20-45425608-C-T. GRCh37 (hg19) VCF-style: chr20-44054248-C-T.
Other names: c.1351C>T, p.Arg451Trp (NM_001184728.3); c.1318C>T, p.Arg440Trp (NM_001184729.3); c.1213C>T, p.Arg405Trp (NM_001184730.3); short protein forms R405W, R440W, R451W, R507W.
Identifiers: ClinVar variation 1003026 (VCV001003026.43), dbSNP rs146484791, ClinGen allele CA9878302.